The following is an entry in ClinVar:

NM_001999.4(FBN2):c.628+1G>T

Gene: FBN2 (fibrillin 2; minus strand). Cytogenetic location: 5q23.3.
Variant type: single nucleotide variant.
Coding change: c.628+1G>T on transcript NM_001999.4 (MANE Select); the canonical splice donor site of the intron after coding-DNA position 628, G replaced by T.
Molecular consequence: splice donor variant.
Genome position (GRCh38, 1-based): chr5:128,519,272, C>A on the plus strand (G>T on the coding strand, the complement: FBN2 is on the minus strand). VCF-style: chr5-128519272-C-A. GRCh37 (hg19) VCF-style: chr5-127854965-C-A.
Identifiers: ClinVar variation 3373615 (VCV003373615.2).

ClinVar aggregate classification (germline): Uncertain significance. Review status: criteria provided, multiple submitters, no conflicts (2 of 4 stars). 2 submissions from 2 submitters: Uncertain significance (2). Last evaluated 2026-06-03.

gnomAD v4.1: 2 of 1,605,076 alleles (0.00012%); no homozygotes.

Submissions (2):

Women's Health and Genetics/Laboratory Corporation of America, LabCorp
Classification: Uncertain significance. Last evaluated: 2026-06-03. Review status: criteria provided, single submitter. Criteria: LabCorp Variant Classification Summary - May 2015. Collection method: clinical testing. Allele origin: germline.
Comment: Variant summary: FBN2 c.628+1G>T is located in a canonical splice-site and is predicted to affect mRNA splicing resulting in a significantly altered protein due to either exon skipping, shortening, or inclusion of intronic material. Variants that disrupt the consensus splice site are a relatively common cause of aberrant splicing, however current evidence is not sufficient to establish loss of function as a mechanism for disease. Several computational tools predict a significant impact on normal splicing: Four predict the variant abolishes a 5' splicing donor site. However, these predictions have yet to be confirmed by functional studies. The variant was absent in 251090 control chromosomes. The available data on variant occurrences in the general population are insufficient to allow any conclusion about variant significance. To our knowledge, no occurrence of c.628+1G>T in individuals affected with FBN2-related conditions and no experimental evidence demonstrating its impact on protein function have been reported. ClinVar contains an entry for this variant (Variation ID: 3373615). Based on the evidence outlined above, the variant was classified as uncertain significance.

GeneDx
Classification: Uncertain significance. Last evaluated: 2024-03-06. Review status: criteria provided, single submitter. Criteria: GeneDx Variant Classification Process June 2021. Collection method: clinical testing. Allele origin: germline. Affected: yes.
Comment: Not observed at significant frequency in large population cohorts (gnomAD); Canonical splice site variant in a gene or region of a gene for which loss of function is not a well-established mechanism of disease; Has not been previously published as pathogenic or benign to our knowledge